The following is an entry in ClinVar:

ClinVar aggregate classification (germline): Uncertain significance (1 of 4 stars; one submission).

gnomAD v4.1: 48 of 1,547,594 alleles (0.0031%); highest among the groups gnomAD compares: African/African-American, 0.051%; no homozygotes.

Submission:

Greenwood Genetic Center Diagnostic Laboratories, Greenwood Genetic Center
Classification: Uncertain significance. Last evaluated: 2025-06-05. Review status: criteria provided, single submitter. Criteria: ACMG Guidelines, 2015. Collection method: clinical testing. Allele origin: germline. Affected: yes.
Comment: BP7

NM_017696.3(MCM9):c.2751G>A (p.Val917=)

Gene: MCM9 (minichromosome maintenance 9 homologous recombination repair factor; minus strand). Cytogenetic location: 6q22.31.
Variant type: single nucleotide variant.
Coding change: c.2751G>A on transcript NM_017696.3 (MANE Select); coding-DNA position 2751, G replaced by A.
Protein change: p.Val917=; no amino-acid change (valine 917 retained).
Molecular consequence: synonymous variant. On other transcripts: 3 prime UTR variant (4), non-coding transcript variant (1).
Genome position (GRCh38, 1-based): chr6:118,815,505, C>T on the plus strand (G>A on the coding strand, the complement: MCM9 is on the minus strand). VCF-style: chr6-118815505-C-T. GRCh37 (hg19) VCF-style: chr6-119136668-C-T.
Other names: c.2751G>A, p.Val917= (NM_001378356.1, NM_001378357.1); c.*658G>A (NM_001378359.1, NM_001378360.1, NM_001378366.1 and 1 more transcripts); c.2547G>A, p.Val849= (NM_001378364.1).
Identifiers: ClinVar variation 4538286 (VCV004538286.1).